The following is an entry in ClinVar:

ClinVar aggregate classification (germline): Uncertain significance (1 of 4 stars; one submission).

Conditions:
Inborn genetic diseases. Identifiers: MedGen C0950123, MeSH D030342.

gnomAD v4.1: 1 of 1,606,566 alleles (0.000062%); highest among the groups gnomAD compares: Non-Finnish European, 0.000085%; no homozygotes.

Submission:

Ambry Genetics
Classification: Uncertain significance for Inborn genetic diseases. Last evaluated: 2025-02-25. Review status: criteria provided, single submitter. Criteria: Ambry Variant Classification Scheme 2023. Collection method: clinical testing. Allele origin: germline.
Comment: The p.K197I variant (also known as c.590A>T), located in coding exon 3 of the ERCC6L2 gene, results from an A to T substitution at nucleotide position 590. The lysine at codon 197 is replaced by isoleucine, an amino acid with dissimilar properties. This amino acid position is conserved. In addition, the in silico prediction for this alteration is inconclusive. Based on the available evidence, the clinical significance of this variant remains unclear.

NM_020207.7(ERCC6L2):c.590A>T (p.Lys197Ile)

Gene: ERCC6L2 (ERCC excision repair 6 like 2; plus strand). Cytogenetic location: 9q22.32.
Variant type: single nucleotide variant.
Coding change: c.590A>T on transcript NM_020207.7 (MANE Select); coding-DNA position 590, A replaced by T.
Protein change: p.Lys197Ile; replaces lysine 197 with isoleucine.
Molecular consequence: missense variant. On other transcripts: non-coding transcript variant (1).
Genome position (GRCh38, 1-based): chr9:95,897,967, A>T. VCF-style: chr9-95897967-A-T. GRCh37 (hg19) VCF-style: chr9-98660249-A-T.
Other names: c.590A>T, p.Lys197Ile (NM_001010895.4, NM_001375291.1, NM_001375292.1 and 2 more transcripts); short protein forms K197I.
Identifiers: ClinVar variation 3845963 (VCV003845963.1).